The following is an entry in ClinVar:

ClinVar aggregate classification (germline): Pathogenic/Likely pathogenic. Review status: criteria provided, multiple submitters, no conflicts (2 of 4 stars). 2 submissions from 2 submitters: Pathogenic (1); Likely pathogenic (1). Last evaluated 2024-11-04.

Conditions:
Leber congenital amaurosis 8 (LCA8). Identifiers: Orphanet 65, MedGen C3151202, MONDO:0013453, OMIM 613835.
Retinitis pigmentosa 12 (RP12). Also called: RP WITH OR WITHOUT PPRPE; RP WITH OR WITHOUT PRESERVED PARAARTERIOLE RETINAL PIGMENT EPITHELIUM; RETINITIS PIGMENTOSA WITH OR WITHOUT PARAARTERIOLAR PRESERVATION OF RETINAL PIGMENT EPITHELIUM. Identifiers: Orphanet 791, MedGen C1838647, MONDO:0010818, OMIM 600105.
Cone-rod dystrophy. Also called: Cone/cone-rod dystrophy; Cone-rod degeneration. Identifiers: Orphanet 1872, MedGen C4085590, MONDO:0015993, HP:0000548.

Allele frequency attached by ClinVar (database versions not stated): gnomAD exomes 0.00001 and 0.00002; ExAC 0.00002.
gnomAD v4.1: 5 of 1,614,120 alleles (0.00031%); highest among the groups gnomAD compares: Admixed American, 0.0067%; no homozygotes.

Submissions (2):

Labcorp Genetics (formerly Invitae), Labcorp
Classification: Pathogenic for Leber congenital amaurosis 8; Retinitis pigmentosa 12. Last evaluated: 2024-11-04. Review status: criteria provided, single submitter. Criteria: Invitae Variant Classification Sherloc (09022015). Collection method: clinical testing. Allele origin: germline.
Comment: This sequence change replaces cysteine, which is neutral and slightly polar, with tyrosine, which is neutral and polar, at codon 1294 of the CRB1 protein (p.Cys1294Tyr). This variant is present in population databases (rs754575460, gnomAD 0.01%). This missense change has been observed in individual(s) with inherited retinal dystrophy (internal data). In at least one individual the data is consistent with being in trans (on the opposite chromosome) from a pathogenic variant. ClinVar contains an entry for this variant (Variation ID: 1298333). An algorithm developed to predict the effect of missense changes on protein structure and function (PolyPhen-2) suggests that this variant is likely to be disruptive. For these reasons, this variant has been classified as Pathogenic.

DBGen Ocular Genomics
Classification: Likely pathogenic for Cone-rod dystrophy. Last evaluated: 2021-10-01. Review status: criteria provided, single submitter. Criteria: ACMG Guidelines, 2015. Collection method: clinical testing. Allele origin: germline. Affected: yes. Observed: 1 variant allele.

NM_201253.3(CRB1):c.3881G>A (p.Cys1294Tyr)

Gene: CRB1 (crumbs cell polarity complex component 1; plus strand). Cytogenetic location: 1q31.3.
Variant type: single nucleotide variant.
Coding change: c.3881G>A on transcript NM_201253.3 (MANE Select); coding-DNA position 3881, G replaced by A.
Protein change: p.Cys1294Tyr; replaces cysteine 1294 with tyrosine.
Molecular consequence: missense variant. On other transcripts: non-coding transcript variant (2).
Genome position (GRCh38, 1-based): chr1:197,442,168, G>A. VCF-style: chr1-197442168-G-A. GRCh37 (hg19) VCF-style: chr1-197411298-G-A.
Other names: c.3545G>A, p.Cys1182Tyr (NM_001193640.2); c.3809G>A, p.Cys1270Tyr (NM_001257965.2); c.2273G>A, p.Cys758Tyr (NM_001257966.2); short protein forms C1182Y, C1270Y, C1294Y, C758Y.
Identifiers: ClinVar variation 1298333 (VCV001298333.6), dbSNP rs754575460, ClinGen allele CA1312440.